The following is an entry in ClinVar:

ClinVar aggregate classification (germline): Likely benign (0 of 4 stars; one submission).

Conditions:
PCDHA9-related disorder. Also called: PCDHA9-related condition.

Allele frequency attached by ClinVar (database versions not stated): gnomAD 0.00002; TOPMed 0.00002.
gnomAD v4.1: 89 of 1,598,432 alleles (0.0056%); highest among the groups gnomAD compares: Non-Finnish European, 0.0074%; 9 homozygotes.

Submission:

PreventionGenetics, part of Exact Sciences
Classification: Likely benign for PCDHA9-related condition. Last evaluated: 2020-10-12. Review status: no assertion criteria provided. Collection method: clinical testing. Allele origin: germline.
Comment: This variant is classified as likely benign based on ACMG/AMP sequence variant interpretation guidelines (Richards et al. 2015 PMID: 25741868, with internal and published modifications).

NM_031857.2(PCDHA9):c.1365C>T (p.Phe455=)

Genes: PCDHA6 (protocadherin alpha 6; plus strand), PCDHA9 (protocadherin alpha 9; plus strand), PCDHA@ (protocadherin alpha cluster, complex locus; plus strand), PCDHA7 (protocadherin alpha 7; plus strand), PCDHA8 (protocadherin alpha 8; plus strand) and 5 more. Cytogenetic location: 5q31.3.
Variant type: single nucleotide variant.
Coding change: c.1365C>T on transcript NM_031857.2 (MANE Select); coding-DNA position 1365, C replaced by T.
Protein change: p.Phe455=; no amino-acid change (phenylalanine 455 retained).
Molecular consequence: synonymous variant. On other transcripts: intron variant (10).
Genome position (GRCh38, 1-based): chr5:140,849,860, C>T. VCF-style: chr5-140849860-C-T. GRCh37 (hg19) VCF-style: chr5-140229445-C-T.
Other names: c.1365C>T, p.Phe455= (NM_014005.5); c.2394+61176C>T (NM_018900.4); c.1602+61968C>T (NM_031411.3); c.2388+52508C>T (NM_018905.3); c.2394+46269C>T (NM_018906.3); c.2385+40288C>T (NM_018907.4); c.2352+25733C>T (NM_018908.3); c.2394+19375C>T (NM_018909.4); and 3 more.
Identifiers: ClinVar variation 3031692 (VCV003031692.2), dbSNP rs1451585591, ClinGen allele CA446819169.